The following is an entry in ClinVar:

ClinVar aggregate classification (germline): Uncertain significance. Review status: criteria provided, multiple submitters, no conflicts (2 of 4 stars). 2 submissions from 2 submitters: Uncertain significance (2). Last evaluated 2025-08-30.

Conditions:
Hereditary cancer-predisposing syndrome. Also called: Neoplastic Syndromes, Hereditary; Tumor predisposition; Hereditary Cancer Syndrome; Hereditary neoplastic syndrome. Identifiers: Orphanet 140162, MedGen C0027672, MeSH D009386, MONDO:0015356.
Familial meningioma. Also called: Meningioma, familial, susceptibility to. Identifiers: Orphanet 263662, MedGen C3551915, MONDO:0011789, OMIM 607174.

Allele frequency attached by ClinVar (database versions not stated): gnomAD exomes below 0.00001.
gnomAD v4.1: 1 of 1,606,332 alleles (0.000062%); highest among the groups gnomAD compares: African/African-American, 0.0013%; no homozygotes.

Submissions (2):

Labcorp Genetics (formerly Invitae), Labcorp
Classification: Uncertain significance for Familial meningioma. Last evaluated: 2025-08-30. Review status: criteria provided, single submitter. Criteria: Invitae Variant Classification Sherloc (09022015). Collection method: clinical testing. Allele origin: germline.
Comment: This sequence change replaces alanine, which is neutral and non-polar, with threonine, which is neutral and polar, at codon 132 of the SMARCE1 protein (p.Ala132Thr). This variant is not present in population databases (gnomAD no frequency). This variant has not been reported in the literature in individuals affected with SMARCE1-related conditions. ClinVar contains an entry for this variant (Variation ID: 1736416). Invitae Evidence Modeling of protein sequence and biophysical properties (such as structural, functional, and spatial information, amino acid conservation, physicochemical variation, residue mobility, and thermodynamic stability) indicates that this missense variant is not expected to disrupt SMARCE1 protein function with a negative predictive value of 80%. In summary, the available evidence is currently insufficient to determine the role of this variant in disease. Therefore, it has been classified as a Variant of Uncertain Significance.

Ambry Genetics
Classification: Uncertain significance for Hereditary cancer-predisposing syndrome. Last evaluated: 2025-06-12. Review status: criteria provided, single submitter. Criteria: Ambry Variant Classification Scheme 2023. Collection method: clinical testing. Allele origin: germline.
Comment: The p.A132T variant (also known as c.394G>A), located in coding exon 6 of the SMARCE1 gene, results from a G to A substitution at nucleotide position 394. The alanine at codon 132 is replaced by threonine, an amino acid with similar properties. This variant has been detected in multiple individuals with no reported features of Coffin-Siris syndrome (Ambry internal data). This amino acid position is highly conserved in available vertebrate species. In addition, the in silico prediction for this alteration is inconclusive. Based on the supporting evidence, the association of this alteration with an increased risk of meningiomas is unknown; however, the association of this alteration with Coffin-Siris syndrome is unlikely.

NM_003079.5(SMARCE1):c.394G>A (p.Ala132Thr)

Gene: SMARCE1 (SWI/SNF related BAF chromatin remodeling complex subunit E1; minus strand). Cytogenetic location: 17q21.2.
Variant type: single nucleotide variant.
Coding change: c.394G>A on transcript NM_003079.5 (MANE Select); coding-DNA position 394, G replaced by A.
Protein change: p.Ala132Thr; replaces alanine 132 with threonine.
Molecular consequence: missense variant.
Genome position (GRCh38, 1-based): chr17:40,636,078, C>T on the plus strand (G>A on the coding strand, the complement: SMARCE1 is on the minus strand). VCF-style: chr17-40636078-C-T. GRCh37 (hg19) VCF-style: chr17-38792330-C-T.
Other names: short protein forms A132T.
Identifiers: ClinVar variation 1736416 (VCV001736416.6), dbSNP rs2037143424, ClinGen allele CA399366709.